The following is an entry in ClinVar:

NM_024675.4(PALB2):c.3392T>C (p.Ile1131Thr)

Gene: PALB2 (partner and localizer of BRCA2; minus strand). Cytogenetic location: 16p12.2.
Variant type: single nucleotide variant.
Coding change: c.3392T>C on transcript NM_024675.4 (MANE Select); coding-DNA position 3392, T replaced by C.
Protein change: p.Ile1131Thr; replaces isoleucine 1131 with threonine.
Molecular consequence: missense variant.
Genome position (GRCh38, 1-based): chr16:23,603,628, A>G on the plus strand (T>C on the coding strand, the complement: PALB2 is on the minus strand). VCF-style: chr16-23603628-A-G. GRCh37 (hg19) VCF-style: chr16-23614949-A-G.
Other names: short protein forms I1131T.
Identifiers: ClinVar variation 229790 (VCV000229790.23), dbSNP rs876658196, ClinGen allele CA10579918.
Genomic context (GRCh38, chr16:23,603,628, plus strand): 5'-AGGAGGGCAGTACACTGACCGAGAAGTAAGTCCCAAATGGCAATTGTTCCAGAAGTCAAG[A>G]TTGCTGCTGCACAGTGATCTTTCACGTCACCTTCCAGGAACCTGATAGCATACAAAGAAG-3'
Protein context (NP_078951.2, residues 1121-1141): GDVKDHCAAA[Ile1131Thr]LTSGTIAIWD

ClinVar aggregate classification (germline): Conflicting classifications of pathogenicity. Review status: criteria provided, conflicting classifications (1 of 4 stars). 10 submissions from 10 submitters: Uncertain significance (8); Likely benign (1). 1 of the submissions does not count toward it. Last evaluated 2026-01-31.

Conditions:
Fanconi anemia complementation group N. Also called: PALB2-Related Fanconi Anemia. Identifiers: Orphanet 84, MedGen C1835817, MONDO:0012565, OMIM 610832. Disease mechanism: loss of function.
Pancreatic cancer, susceptibility to, 3. Identifiers: Orphanet 1333, MedGen C3150547, MONDO:0013236, OMIM 613348.
Breast-ovarian cancer, familial, susceptibility to, 5 (BROVCA5). Identifiers: MedGen C5830615, MONDO:0957530, OMIM 620442.
Hereditary cancer-predisposing syndrome. Also called: Hereditary Cancer Syndrome; Neoplastic Syndromes, Hereditary; Tumor predisposition; Hereditary neoplastic syndrome. Identifiers: Orphanet 140162, MedGen C0027672, MeSH D009386, MONDO:0015356.
Familial cancer of breast. Also called: Hereditary breast cancer; hereditary breast carcinoma; BREAST CANCER, FAMILIAL. Identifiers: Orphanet 227535, MedGen C0346153, MONDO:0016419, OMIM 114480. Disease mechanism: loss of function.

Allele frequency attached by ClinVar (database versions not stated): TOPMed below 0.00001; gnomAD exomes 0.00001.
gnomAD v4.1: 10 of 1,614,076 alleles (0.00062%); highest among the groups gnomAD compares: Non-Finnish European, 0.00076%; no homozygotes.

Submissions (10):

Labcorp Genetics (formerly Invitae), Labcorp
Classification: Uncertain significance for Familial cancer of breast. Last evaluated: 2026-01-31. Review status: criteria provided, single submitter. Criteria: Invitae Variant Classification Sherloc (09022015). Collection method: clinical testing. Allele origin: germline.
Comment: This sequence change replaces isoleucine, which is neutral and non-polar, with threonine, which is neutral and polar, at codon 1131 of the PALB2 protein (p.Ile1131Thr). This variant is not present in population databases (gnomAD no frequency). This variant has not been reported in the literature in individuals affected with PALB2-related conditions. ClinVar contains an entry for this variant (Variation ID: 229790). This variant disrupts the WD40-like repeats of the PALB2 protein, which are required for interactions with the BRCA2, POLH, and RAD51C proteins (PMID: 24141787, 24485656). While functional studies have not been performed to directly test the effect of this variant on PALB2 protein function, this suggests that disruption of this region of the protein is causative of disease. This variant disrupts the WD40-like repeats of the PALB2 protein, which are required for interactions with the BRCA2, POLH, and RAD51C proteins (PMID: 24141787, 24485656). While functional studies have not been performed to directly test the effect of this variant on PALB2 protein function, this suggests that disruption of this region of the protein is causative of disease. Algorithms developed to predict the effect of missense changes on protein structure and function (SIFT, PolyPhen-2, Align-GVGD) all suggest that this variant is likely to be disruptive. In summary, the available evidence is currently insufficient to determine the role of this variant in disease. Therefore, it has been classified as a Variant of Uncertain Significance.

Ambry Genetics
Classification: Likely benign for Hereditary cancer-predisposing syndrome. Last evaluated: 2025-05-08. Review status: criteria provided, single submitter. Criteria: Ambry Variant Classification Scheme 2023. Collection method: clinical testing. Allele origin: germline.

Department of Pathology and Laboratory Medicine, Sinai Health System
Classification: Uncertain significance for Fanconi anemia complementation group N; Pancreatic cancer, susceptibility to, 3; Breast-ovarian cancer, familial, susceptibility to, 5. Last evaluated: 2024-07-29. Review status: criteria provided, single submitter. Criteria: ACMG Guidelines, 2015. Collection method: clinical testing. Allele origin: germline.

Color Diagnostics, LLC DBA Color Health
Classification: Uncertain significance for Hereditary cancer-predisposing syndrome. Last evaluated: 2024-05-07. Review status: criteria provided, single submitter. Criteria: ACMG Guidelines, 2015. Collection method: clinical testing. Allele origin: germline.
Comment: This missense variant replaces isoleucine with threonine at codon 1131 of the PALB2 protein. Computational prediction suggests that this variant may not impact protein structure and function. To our knowledge, functional studies have not been reported for this variant. This variant has not been reported in individuals affected with PALB2-related disorders in the literature. This variant has not been identified in the general population by the Genome Aggregation Database (gnomAD). The available evidence is insufficient to determine the role of this variant in disease conclusively. Therefore, this variant is classified as a Variant of Uncertain Significance.

Baylor Genetics
Classification: Uncertain significance for Familial cancer of breast. Last evaluated: 2023-07-07. Review status: criteria provided, single submitter. Criteria: ACMG Guidelines, 2015. Collection method: clinical testing. Allele origin: unknown.

Myriad Genetics, Inc.
Classification: Uncertain significance for Familial cancer of breast. Last evaluated: 2023-03-30. Review status: criteria provided, single submitter. Criteria: Myriad Autosomal Dominant, Autosomal Recessive and X-Linked Classification Criteria (2023). Collection method: clinical testing. Allele origin: unknown.
Comment: This variant is classified as a variant of uncertain significance as there is insufficient evidence to determine its impact on protein function and/or cancer risk.

GeneDx
Classification: Uncertain significance. Last evaluated: 2022-12-16. Review status: criteria provided, single submitter. Criteria: GeneDx Variant Classification Process June 2021. Collection method: clinical testing. Allele origin: germline. Affected: yes.
Comment: Not observed at significant frequency in large population cohorts (gnomAD); In silico analysis supports that this missense variant has a deleterious effect on protein structure/function; Has not been previously published as pathogenic or benign to our knowledge; This variant is associated with the following publications: (PMID: 24485656, 19609323, 20871615)

Sema4
Classification: Uncertain significance for Hereditary cancer-predisposing syndrome. Last evaluated: 2021-06-12. Review status: criteria provided, single submitter. Criteria: Sema4 Curation Guidelines. Collection method: curation. Allele origin: germline.
Comment: The PALB2 c.3392T>C (p.I1131T) variant has not been reported in the literature to our knowledge. It was not observed in the large and broad cohorts of the Genome Aggregation Database (PMID: 32461654). The variant has been reported in ClinVar (Variation ID 229790). In silico tools suggest the impact of the variant on protein function is inconclusive, though these predictions have not been confirmed by functional studies. The evidence is insufficient to meet ACMG/AMP criteria for classifying the variant as benign or pathogenic. Thus, the clinical significance of this variant is currently uncertain.

Women's Health and Genetics/Laboratory Corporation of America, LabCorp
Classification: Uncertain significance. Last evaluated: 2016-05-16. Review status: criteria provided, single submitter. Criteria: LabCorp Variant Classification Summary - May 2015. Collection method: clinical testing. Allele origin: germline.
Comment: Variant summary: The PALB2 c.3392T>C (p.Ile1131Thr) variant involves the alteration of a conserved nucleotide. 3/4 in silico tools predict a damaging outcome. This variant is absent in approximately 121182 control chromosomes from the large and broad populations of ExAC. The variant of interest has not, to our knowledge, been reported in affected individuals via publications and/or reputable databases/clinical diagnostic laboratories; nor evaluated for functional impact by in vivo/vitro studies. Because of the absence of clinical information and the lack of functional studies, the variant has currently been classified as a variant of uncertain significance (VUS) until additional information becomes available.

Counsyl
Classification: Uncertain significance for Familial cancer of breast. Last evaluated: 2017-05-04. Review status: no assertion criteria provided. Collection method: clinical testing. Allele origin: unknown. Not counted in ClinVar's aggregate classification.

Literature cited by the submitters: PubMed 24141787 (cited by Labcorp Genetics (formerly Invitae), Labcorp); PubMed 24485656 (cited by Labcorp Genetics (formerly Invitae), Labcorp).